The following is an entry in ClinVar:

NM_005157.6(ABL1):c.2579G>A (p.Gly860Asp)

Gene: ABL1 (ABL proto-oncogene 1, non-receptor tyrosine kinase; plus strand). Cytogenetic location: 9q34.12.
Variant type: single nucleotide variant.
Coding change: c.2579G>A on transcript NM_005157.6 (MANE Select); coding-DNA position 2579, G replaced by A.
Protein change: p.Gly860Asp; replaces glycine 860 with aspartic acid.
Molecular consequence: missense variant.
Genome position (GRCh38, 1-based): chr9:130,884,869, G>A. VCF-style: chr9-130884869-G-A. GRCh37 (hg19) VCF-style: chr9-133760256-G-A.
Other names: c.2636G>A, p.Gly879Asp (NM_007313.3); short protein forms G860D, G879D.
Identifiers: ClinVar variation 4801866 (VCV004801866.1).
Genomic context (GRCh38, chr9:130,884,869, plus strand): 5'-GTGCCTTAGGGACCCCTGCTGCAGCTGAGCCAGTGACCCCCACCAGCAAAGCAGGCTCAG[G>A]TGCACCAGGGGGCACCAGCAAGGGCCCCGCCGAGGAGTCCAGAGTGAGGAGGCACAAGCA-3'
Protein context (NP_005148.2, residues 850-870): PVTPTSKAGS[Gly860Asp]APGGTSKGPA

ClinVar aggregate classification (germline): Uncertain significance (1 of 4 stars; one submission).

Submission:

Labcorp Genetics (formerly Invitae), Labcorp
Classification: Uncertain significance. Last evaluated: 2025-10-26. Review status: criteria provided, single submitter. Criteria: Invitae Variant Classification Sherloc (09022015). Collection method: clinical testing. Allele origin: germline.
Comment: This sequence change replaces glycine, which is neutral and non-polar, with aspartic acid, which is acidic and polar, at codon 879 of the ABL1 protein (p.Gly879Asp). This variant is not present in population databases (gnomAD no frequency). This variant has not been reported in the literature in individuals affected with ABL1-related conditions. Invitae Evidence Modeling of protein sequence and biophysical properties (such as structural, functional, and spatial information, amino acid conservation, physicochemical variation, residue mobility, and thermodynamic stability) indicates that this missense variant is not expected to disrupt ABL1 protein function with a negative predictive value of 95%. In summary, the available evidence is currently insufficient to determine the role of this variant in disease. Therefore, it has been classified as a Variant of Uncertain Significance.